The following is an entry in ClinVar:

ClinVar aggregate classification (germline): Conflicting classifications of pathogenicity. Review status: criteria provided, conflicting classifications (1 of 4 stars). 2 submissions from 2 submitters: Uncertain significance (1); Likely benign (1). Last evaluated 2025-12-11.

Allele frequency attached by ClinVar (database versions not stated): gnomAD 0.00001; gnomAD exomes 0.00001; TOPMed 0.00001.
gnomAD v4.1: 12 of 1,206,916 alleles (0.00099%); highest among the groups gnomAD compares: Admixed American, 0.0066%; no homozygotes.

Submissions (2):

Labcorp Genetics (formerly Invitae), Labcorp
Classification: Uncertain significance. Last evaluated: 2025-12-11. Review status: criteria provided, single submitter. Criteria: Invitae Variant Classification Sherloc (09022015). Collection method: clinical testing. Allele origin: germline.
Comment: This sequence change replaces alanine, which is neutral and non-polar, with threonine, which is neutral and polar, at codon 296 of the PGK1 protein (p.Ala296Thr). This variant is present in population databases (no rsID available, gnomAD 0.01%), including at least one homozygous and/or hemizygous individual. This variant has not been reported in the literature in individuals affected with PGK1-related conditions. ClinVar contains an entry for this variant (Variation ID: 2993988). Invitae Evidence Modeling of protein sequence and biophysical properties (such as structural, functional, and spatial information, amino acid conservation, physicochemical variation, residue mobility, and thermodynamic stability) indicates that this missense variant is not expected to disrupt PGK1 protein function with a negative predictive value of 80%. In summary, the available evidence is currently insufficient to determine the role of this variant in disease. Therefore, it has been classified as a Variant of Uncertain Significance.

Blueprint Genetics
Classification: Likely benign. Last evaluated: 2024-06-25. Review status: criteria provided, single submitter. Criteria: ACMG Guidelines, 2015. Collection method: clinical testing. Allele origin: germline.

NM_000291.4(PGK1):c.886G>A (p.Ala296Thr)

Gene: PGK1 (phosphoglycerate kinase 1; plus strand). Cytogenetic location: Xq21.1.
Variant type: single nucleotide variant.
Coding change: c.886G>A on transcript NM_000291.4 (MANE Select); coding-DNA position 886, G replaced by A.
Protein change: p.Ala296Thr; replaces alanine 296 with threonine.
Molecular consequence: missense variant.
Genome position (GRCh38, 1-based): chrX:78,123,324, G>A. VCF-style: chrX-78123324-G-A. GRCh37 (hg19) VCF-style: chrX-77378821-G-A.
Other names: short protein forms A296T.
Identifiers: ClinVar variation 2993988 (VCV002993988.4), dbSNP rs1007021919, ClinGen allele CA331586159.